The following is an entry in ClinVar:

NM_022356.4(P3H1):c.32C>T (p.Thr11Ile)

Gene: P3H1 (prolyl 3-hydroxylase 1; minus strand). Cytogenetic location: 1p34.2.
Variant type: single nucleotide variant.
Coding change: c.32C>T on transcript NM_022356.4 (MANE Select); coding-DNA position 32, C replaced by T.
Protein change: p.Thr11Ile; replaces threonine 11 with isoleucine.
Molecular consequence: missense variant.
Genome position (GRCh38, 1-based): chr1:42,766,940, G>A on the plus strand (C>T on the coding strand, the complement: P3H1 is on the minus strand). VCF-style: chr1-42766940-G-A. GRCh37 (hg19) VCF-style: chr1-43232611-G-A.
Other names: c.32C>T, p.Thr11Ile (NM_001146289.2, NM_001243246.2); short protein forms T11I.
Identifiers: ClinVar variation 656359 (VCV000656359.6), dbSNP rs1570487789, ClinGen allele CA339964261.

ClinVar aggregate classification (germline): Uncertain significance (1 of 4 stars; one submission).

Conditions:
Osteogenesis imperfecta type 8 (OI8). Identifiers: MedGen C1970458, MONDO:0012581, OMIM 610915.

Allele frequency attached by ClinVar (database versions not stated): gnomAD exomes below 0.00001.
gnomAD v4.1: 2 of 1,609,432 alleles (0.00012%); no homozygotes.

Submission:

Labcorp Genetics (formerly Invitae), Labcorp
Classification: Uncertain significance for Osteogenesis imperfecta type 8. Last evaluated: 2022-09-20. Review status: criteria provided, single submitter. Criteria: Invitae Variant Classification Sherloc (09022015). Collection method: clinical testing. Allele origin: germline.
Comment: This sequence change replaces threonine, which is neutral and polar, with isoleucine, which is neutral and non-polar, at codon 11 of the P3H1 protein (p.Thr11Ile). This variant is not present in population databases (gnomAD no frequency). This variant has not been reported in the literature in individuals affected with P3H1-related conditions. ClinVar contains an entry for this variant (Variation ID: 656359). Algorithms developed to predict the effect of missense changes on protein structure and function output the following: SIFT: "Tolerated"; PolyPhen-2: "Not Available"; Align-GVGD: "Class C0". The isoleucine amino acid residue is found in multiple mammalian species, which suggests that this missense change does not adversely affect protein function. In summary, the available evidence is currently insufficient to determine the role of this variant in disease. Therefore, it has been classified as a Variant of Uncertain Significance.